The following is an entry in ClinVar:

NM_001378120.1(MBD5):c.3112A>G (p.Ser1038Gly)

Gene: MBD5 (methyl-CpG binding domain protein 5; plus strand). Cytogenetic location: 2q23.1.
Variant type: single nucleotide variant.
Coding change: c.3112A>G on transcript NM_001378120.1 (MANE Select); coding-DNA position 3112, A replaced by G.
Protein change: p.Ser1038Gly; replaces serine 1038 with glycine.
Molecular consequence: missense variant. On other transcripts: intron variant (1).
Genome position (GRCh38, 1-based): chr2:148,483,703, A>G. VCF-style: chr2-148483703-A-G. GRCh37 (hg19) VCF-style: chr2-149241272-A-G.
Other names: c.2845+267A>G (NM_018328.5); short protein forms S1038G.
Identifiers: ClinVar variation 1270807 (VCV001270807.27), dbSNP rs562128787, ClinGen allele CA1900250.

ClinVar aggregate classification (germline): Benign/Likely benign. Review status: criteria provided, multiple submitters, no conflicts (2 of 4 stars). 4 submissions from 4 submitters: Benign (2); Likely benign (2). Last evaluated 2026-04-01.

Allele frequency attached by ClinVar (database versions not stated): ExAC 0.00036; gnomAD exomes 0.00037 and 0.00050; 1000 Genomes Project 0.00060; 1000 Genomes Project 30x 0.00078; gnomAD 0.00112 and 0.00123; TOPMed 0.00130.
gnomAD v4.1: 722 of 1,550,632 alleles (0.047%); highest among the groups gnomAD compares: Middle Eastern, 0.52%; 1 homozygote.

Submissions (4):

CeGaT Center for Human Genetics Tuebingen
Classification: Likely benign. Last evaluated: 2026-04-01. Review status: criteria provided, single submitter. Criteria: CeGaT Center For Human Genetics Tuebingen Variant Classification Criteria Version 2. Collection method: clinical testing. Allele origin: germline. Affected: yes. Observed: 5 variant alleles.
Comment: MBD5: BP4, BS1

Blueprint Genetics
Classification: Likely benign. Last evaluated: 2023-01-31. Review status: criteria provided, single submitter. Criteria: ACMG Guidelines, 2015. Collection method: clinical testing. Allele origin: germline.

GeneDx
Classification: Benign. Last evaluated: 2020-09-08. Review status: criteria provided, single submitter. Criteria: GeneDx Variant Classification Process June 2021. Collection method: clinical testing. Allele origin: germline. Affected: yes.

Breakthrough Genomics
Classification: Benign. Review status: criteria provided, single submitter. Criteria: ACMG Guidelines, 2015. Collection method: not provided. Allele origin: germline. Inheritance: Autosomal dominant inheritance. Affected: yes.